The following is an entry in ClinVar:

ClinVar aggregate classification (germline): Benign (0 of 4 stars; one submission).

Conditions:
MUC16-related disorder. Also called: MUC16-related condition.

Allele frequency attached by ClinVar (database versions not stated): gnomAD 0.01316; 1000 Genomes Project 30x 0.06590.

Submission:

PreventionGenetics, part of Exact Sciences
Classification: Benign for MUC16-related condition. Last evaluated: 2019-03-01. Review status: no assertion criteria provided. Collection method: clinical testing. Allele origin: germline.
Comment: This variant is classified as benign based on ACMG/AMP sequence variant interpretation guidelines (Richards et al. 2015 PMID: 25741868, with internal and published modifications).

NM_001401501.2(MUC16):c.39336G>A (p.Leu13112=)

Gene: MUC16 (mucin 16, cell surface associated; minus strand). Cytogenetic location: 19p13.2.
Variant type: single nucleotide variant.
Coding change: c.39336G>A on transcript NM_001401501.2 (MANE Select); coding-DNA position 39336, G replaced by A.
Protein change: p.Leu13112=; no amino-acid change (leucine 13112 retained).
Molecular consequence: synonymous variant.
Genome position (GRCh38, 1-based): chr19:8,898,647, C>T on the plus strand (G>A on the coding strand, the complement: MUC16 is on the minus strand). VCF-style: chr19-8898647-C-T. GRCh37 (hg19) VCF-style: chr19-9009323-C-T.
Other names: c.39762G>A, p.Leu13254= (NM_001414686.1); c.39216G>A, p.Leu13072= (NM_001414687.1); c.39150G>A, p.Leu13050= (NM_024690.2).
Identifiers: ClinVar variation 3037157 (VCV003037157.2), dbSNP rs36191915, ClinGen allele CA9164171.